The following is an entry in ClinVar:

NM_020223.4(FAM20C):c.520G>T (p.Val174Phe)

Gene: FAM20C (FAM20C golgi associated secretory pathway kinase; plus strand). Cytogenetic location: 7p22.3.
Variant type: single nucleotide variant.
Coding change: c.520G>T on transcript NM_020223.4 (MANE Select); coding-DNA position 520, G replaced by T.
Protein change: p.Val174Phe; replaces valine 174 with phenylalanine.
Molecular consequence: missense variant.
Genome position (GRCh38, 1-based): chr7:193,719, G>T. VCF-style: chr7-193719-G-T. GRCh37 (hg19) VCF-style: chr7-193719-G-T.
Other names: c.520G>T (NM_020223.2); short protein forms V174F.
Identifiers: ClinVar variation 1445090 (VCV001445090.26), dbSNP rs969071982, ClinGen allele CA152256906.

ClinVar aggregate classification (germline): Uncertain significance. Review status: criteria provided, multiple submitters, no conflicts (2 of 4 stars). 3 submissions from 3 submitters: Uncertain significance (3). Last evaluated 2025-10-18.

Conditions:
Inborn genetic diseases. Identifiers: MedGen C0950123, MeSH D030342.

Allele frequency attached by ClinVar (database versions not stated): gnomAD 0.00002; gnomAD exomes 0.00002 and 0.00009; TOPMed 0.00005.
gnomAD v4.1: 37 of 1,547,038 alleles (0.0024%); highest among the groups gnomAD compares: Admixed American, 0.028%; no homozygotes.

Submissions (3):

Ambry Genetics
Classification: Uncertain significance for Inborn genetic diseases. Last evaluated: 2025-10-18. Review status: criteria provided, single submitter. Criteria: Ambry Variant Classification Scheme 2023. Collection method: clinical testing. Allele origin: germline.

CeGaT Center for Human Genetics Tuebingen
Classification: Uncertain significance. Last evaluated: 2023-09-01. Review status: criteria provided, single submitter. Criteria: CeGaT Center For Human Genetics Tuebingen Variant Classification Criteria Version 2. Collection method: clinical testing. Allele origin: germline. Affected: yes. Observed: 1 variant allele.
Comment: FAM20C: PM2

Labcorp Genetics (formerly Invitae), Labcorp
Classification: Uncertain significance. Last evaluated: 2022-07-25. Review status: criteria provided, single submitter. Criteria: Invitae Variant Classification Sherloc (09022015). Collection method: clinical testing. Allele origin: germline.
Comment: This sequence change replaces valine, which is neutral and non-polar, with phenylalanine, which is neutral and non-polar, at codon 174 of the FAM20C protein (p.Val174Phe). This variant is present in population databases (no rsID available, gnomAD 0.03%). This variant has not been reported in the literature in individuals affected with FAM20C-related conditions. ClinVar contains an entry for this variant (Variation ID: 1445090). Algorithms developed to predict the effect of missense changes on protein structure and function (SIFT, PolyPhen-2, Align-GVGD) all suggest that this variant is likely to be tolerated. In summary, the available evidence is currently insufficient to determine the role of this variant in disease. Therefore, it has been classified as a Variant of Uncertain Significance.